The following is an entry in ClinVar:

ClinVar aggregate classification (germline): Pathogenic/Likely pathogenic. Review status: criteria provided, multiple submitters, no conflicts (2 of 4 stars). 7 submissions from 7 submitters: Pathogenic (5); Likely pathogenic (1). 1 of the submissions does not count toward it. Last evaluated 2025-10-07.

Conditions:
Deficiency of alpha-mannosidase (MANSA). Also called: LYSOSOMAL ALPHA-D-MANNOSIDASE DEFICIENCY; Mannosidosis, alpha-, types I and II; Alpha-Mannosidosis. Identifiers: Orphanet 61, MedGen C0024748, MONDO:0009561, OMIM 248500.

Allele frequency attached by ClinVar (database versions not stated): gnomAD exomes below 0.00001; TOPMed below 0.00001.

Submissions (7):

Natera, Inc.
Classification: Pathogenic for Alpha-mannosidosis. Last evaluated: 2025-10-07. Review status: criteria provided, single submitter. Criteria: Natera Variant Classification Schema (03/2026). Collection method: clinical testing. Allele origin: germline.
Comment: The c.1109G>A variant in MAN2B1 is a nonsense variant predicted to introduce a stop codon at amino acid 370. This variant is expected to result in nonsense mediated decay, truncation, or a dysfunctional protein product. This variant is rare in the general population with a frequency below the threshold expected for the associated phenotype(s). This variant has been observed in one or more individuals affected with the associated recessive disease, as either homozygous or compound heterozygous with a second variant (PMID: 35871018, 22161967). Given the available evidence, this variant is classified as Pathogenic.

Fulgent Genetics
Classification: Likely pathogenic for Deficiency of alpha-mannosidase. Last evaluated: 2024-04-29. Review status: criteria provided, single submitter. Criteria: ACMG Guidelines, 2015. Collection method: clinical testing. Allele origin: germline.

Labcorp Genetics (formerly Invitae), Labcorp
Classification: Pathogenic for Deficiency of alpha-mannosidase. Last evaluated: 2024-01-06. Review status: criteria provided, single submitter. Criteria: Invitae Variant Classification Sherloc (09022015). Collection method: clinical testing. Allele origin: germline.
Comment: This sequence change creates a premature translational stop signal (p.Trp370*) in the MAN2B1 gene. It is expected to result in an absent or disrupted protein product. Loss-of-function variants in MAN2B1 are known to be pathogenic (PMID: 9915946, 22161967). This variant is not present in population databases (gnomAD no frequency). This premature translational stop signal has been observed in individual(s) with mannosidosis (PMID: 22161967). ClinVar contains an entry for this variant (Variation ID: 189118). Algorithms developed to predict the effect of sequence changes on RNA splicing suggest that this variant may disrupt the consensus splice site. For these reasons, this variant has been classified as Pathogenic.

Baylor Genetics
Classification: Pathogenic for Deficiency of alpha-mannosidase. Last evaluated: 2022-11-07. Review status: criteria provided, single submitter. Criteria: ACMG Guidelines, 2015. Collection method: clinical testing. Allele origin: unknown.

Women's Health and Genetics/Laboratory Corporation of America, LabCorp
Classification: Pathogenic for Deficiency of alpha-mannosidase. Last evaluated: 2022-03-10. Review status: criteria provided, single submitter. Criteria: LabCorp Variant Classification Summary - May 2015. Collection method: clinical testing. Allele origin: germline.
Comment: Variant summary: MAN2B1 c.1109G>A (p.Trp370X) results in a premature termination codon, predicted to cause a truncation of the encoded protein or absence of the protein due to nonsense mediated decay, which are commonly known mechanisms for disease. Truncations downstream of this position have been classified as pathogenic by our laboratory. This variant also falls at the last nucleotide of exon 8 of the MAN2B1 coding sequence, which is part of the consensus splice site for this exon. Two computational tools predict the variant abolishes a 5' splicing donor site. However, these predictions have yet to be confirmed by functional studies. The variant was absent in 251334 control chromosomes (gnomAD). The variant, c.1109G>A, has been reported in the literature in two homozygous patients (siblings) affected with Alpha-Mannosidosis (Riise Stensland_2012). These data indicate that the variant is likely to be associated with disease. To our knowledge, no experimental evidence demonstrating an impact on protein function has been reported. Three clinical diagnostic laboratories have submitted clinical-significance assessments for this variant to ClinVar after 2014 without evidence for independent evaluation. All laboratories classified the variant as pathogenic/likely pathogenic. Based on the evidence outlined above, the variant was classified as pathogenic.

Genome-Nilou Lab
Classification: Pathogenic for Deficiency of alpha-mannosidase. Last evaluated: 2021-09-05. Review status: criteria provided, single submitter. Criteria: ACMG Guidelines, 2015. Collection method: clinical testing. Allele origin: germline. Affected: no.

Counsyl
Classification: Likely pathogenic for Deficiency of alpha-mannosidase. Last evaluated: 2015-01-08. Review status: no assertion criteria provided. Collection method: literature only. Allele origin: unknown. Inheritance: Autosomal recessive inheritance. Not counted in ClinVar's aggregate classification.

Literature cited by the submitters: PubMed 35871018 (cited by Natera, Inc.); PubMed 22161967 (cited by 4 submitters); PubMed 9915946 (cited by Labcorp Genetics (formerly Invitae), Labcorp).

NM_000528.4(MAN2B1):c.1109G>A (p.Trp370Ter)

Gene: MAN2B1 (mannosidase alpha class 2B member 1; minus strand). Cytogenetic location: 19p13.13.
Variant type: single nucleotide variant.
Coding change: c.1109G>A on transcript NM_000528.4 (MANE Select); coding-DNA position 1109, G replaced by A.
Protein change: p.Trp370Ter; replaces tryptophan 370 with a stop codon.
Molecular consequence: nonsense.
Genome position (GRCh38, 1-based): chr19:12,658,428, C>T on the plus strand (G>A on the coding strand, the complement: MAN2B1 is on the minus strand). VCF-style: chr19-12658428-C-T. GRCh37 (hg19) VCF-style: chr19-12769242-C-T.
Other names: c.1106G>A, p.Trp369Ter (NM_001173498.2); short protein forms W370*, W369*.
Identifiers: ClinVar variation 189118 (VCV000189118.19), dbSNP rs786204715, ClinGen allele CA274397.